The following is an entry in ClinVar:

ClinVar aggregate classification (germline): Uncertain significance (1 of 4 stars; one submission).

Allele frequency attached by ClinVar (database versions not stated): ExAC 0.00001; gnomAD 0.00001; gnomAD exomes 0.00001; ESP Exome Variant Server 0.00008.
gnomAD v4.1: 15 of 1,605,658 alleles (0.00093%); highest among the groups gnomAD compares: Non-Finnish European, 0.001%; no homozygotes.

Submission:

Labcorp Genetics (formerly Invitae), Labcorp
Classification: Uncertain significance. Last evaluated: 2022-02-23. Review status: criteria provided, single submitter. Criteria: Invitae Variant Classification Sherloc (09022015). Collection method: clinical testing. Allele origin: germline.
Comment: In summary, the available evidence is currently insufficient to determine the role of this variant in disease. Therefore, it has been classified as a Variant of Uncertain Significance. Advanced modeling of protein sequence and biophysical properties (such as structural, functional, and spatial information, amino acid conservation, physicochemical variation, residue mobility, and thermodynamic stability) performed at Invitae indicates that this missense variant is not expected to disrupt COL9A1 protein function. This variant has not been reported in the literature in individuals affected with COL9A1-related conditions. This variant is present in population databases (rs370372906, gnomAD 0.03%). This sequence change replaces valine, which is neutral and non-polar, with alanine, which is neutral and non-polar, at codon 575 of the COL9A1 protein (p.Val575Ala).

NM_001851.6(COL9A1):c.1724T>C (p.Val575Ala)

Gene: COL9A1 (collagen type IX alpha 1 chain; minus strand). Cytogenetic location: 6q13.
Variant type: single nucleotide variant.
Coding change: c.1724T>C on transcript NM_001851.6 (MANE Select); coding-DNA position 1724, T replaced by C.
Protein change: p.Val575Ala; replaces valine 575 with alanine.
Molecular consequence: missense variant. On other transcripts: non-coding transcript variant (1).
Genome position (GRCh38, 1-based): chr6:70,253,425, A>G on the plus strand (T>C on the coding strand, the complement: COL9A1 is on the minus strand). VCF-style: chr6-70253425-A-G. GRCh37 (hg19) VCF-style: chr6-70963128-A-G.
Other names: c.1025T>C, p.Val342Ala (NM_001377289.1); c.995T>C, p.Val332Ala (NM_001377290.1, NM_078485.4); short protein forms V575A, V332A, V342A.
Identifiers: ClinVar variation 2128378 (VCV002128378.2), dbSNP rs370372906, ClinGen allele CA3882039.